The following is an entry in ClinVar:

NM_000520.6(HEXA):c.1528C>T (p.Arg510Ter)

Gene: HEXA (hexosaminidase subunit alpha; minus strand). Cytogenetic location: 15q23.
Variant type: single nucleotide variant.
Coding change: c.1528C>T on transcript NM_000520.6 (MANE Select); coding-DNA position 1528, C replaced by T.
Protein change: p.Arg510Ter; replaces arginine 510 with a stop codon.
Molecular consequence: nonsense.
Genome position (GRCh38, 1-based): chr15:72,344,139, G>A on the plus strand (C>T on the coding strand, the complement: HEXA is on the minus strand). VCF-style: chr15-72344139-G-A. GRCh37 (hg19) VCF-style: chr15-72636480-G-A.
Other names: c.1561C>T, p.Arg521Ter (NM_001318825.2); short protein forms R510*, R521*.
Identifiers: ClinVar variation 188954 (VCV000188954.25), dbSNP rs786204585, ClinGen allele CA274177.

ClinVar aggregate classification (germline): Pathogenic. Review status: criteria provided, multiple submitters, no conflicts (2 of 4 stars). 10 submissions from 9 submitters: Pathogenic (9). 1 of the submissions does not count toward it. Last evaluated 2026-01-26.

Conditions:
Tay-Sachs disease (TSD). Also called: HEXA DEFICIENCY; GM2 gangliosidosis, type 1; Hexosaminidase alpha-subunit deficiency (variant B); Sphingolipidosis, Tay-Sachs; Hexosaminidase A Deficiency; HEXA Disorders. Identifiers: Orphanet 845, MedGen C0039373, MONDO:0010100, OMIM 272800.

Allele frequency attached by ClinVar (database versions not stated): gnomAD 0.00001; gnomAD exomes 0.00001; TOPMed 0.00001.

Submissions (10):

3billion
Classification: Pathogenic for Tay-Sachs disease. Last evaluated: 2026-01-26. Review status: criteria provided, single submitter. Criteria: ACMG Guidelines, 2015. Collection method: clinical testing. Allele origin: germline. Affected: yes.
Comment: The variant is observed at an extremely low frequency in the gnomAD v4.1.0 dataset (total allele frequency: <0.001%). Predicted Consequence/Location: Stop-gained (nonsense): predicted to result in a loss or disruption of normal protein function through protein truncation. The predicted truncated protein may be shortened by less than 10%. The variant has been reported to be in trans with a pathogenic variant as either compound heterozygous or homozygous in at least one similarly affected unrelated individual (PMID: 21567908). The variant has been reported at least twice as pathogenic with clinical assertions and evidence for the classification (ClinVar ID: VCV000188954 /PMID: 21567908 /3billion dataset). Therefore, this variant is classified as Pathogenic according to the recommendation of ACMG/AMP guideline.

Labcorp Genetics (formerly Invitae), Labcorp
Classification: Pathogenic for Tay-Sachs disease. Last evaluated: 2025-11-02. Review status: criteria provided, single submitter. Criteria: Invitae Variant Classification Sherloc (09022015). Collection method: clinical testing. Allele origin: germline.
Comment: This sequence change creates a premature translational stop signal (p.Arg510*) in the HEXA gene. While this is not anticipated to result in nonsense mediated decay, it is expected to disrupt the last 20 amino acid(s) of the HEXA protein. This variant is not present in population databases (gnomAD no frequency). This premature translational stop signal has been observed in individual(s) with hexosaminidase A deficiency (PMID: 21567908, 22789865, 27896118). ClinVar contains an entry for this variant (Variation ID: 188954). For these reasons, this variant has been classified as Pathogenic.

Natera, Inc.
Classification: Pathogenic for Tay-Sachs disease. Last evaluated: 2025-09-04. Review status: criteria provided, single submitter. Criteria: Natera Variant Classification Schema (03/2026). Collection method: clinical testing. Allele origin: germline.
Comment: The c.1528C>T variant in HEXA is a nonsense variant predicted to introduce a stop codon at amino acid 510. This variant is expected to result in nonsense mediated decay, truncation, or a dysfunctional protein product. This variant is rare in the general population with a frequency below the threshold expected for the associated phenotype(s). This variant has been observed in one or more individuals affected with the associated recessive disease, as either homozygous or compound heterozygous with a second variant (PMID: 21567908, 27896118). Functional studies show that this variant may disrupt protein function (PMID: 27896118). Given the available evidence, this variant is classified as Pathogenic.

GeneDx
Classification: Pathogenic. Last evaluated: 2022-06-06. Review status: criteria provided, single submitter. Criteria: GeneDx Variant Classification Process June 2021. Collection method: clinical testing. Allele origin: germline. Affected: yes.
Comment: Nonsense variant in the C-terminus predicted to result in protein truncation, as the last 20 amino acids are lost, and other loss-of-function variants have been reported downstream in HGMD.; Not observed at significant frequency in large population cohorts (gnomAD); This variant is associated with the following publications: (PMID: 27896118, 21567908, 22789865, 33547378)

Myriad Genetics, Inc.
Classification: Pathogenic for Tay-Sachs disease. Last evaluated: 2021-11-10. Review status: criteria provided, single submitter. Criteria: Myriad Women's Health Autosomal Recessive and X-Linked Classification Criteria (2021). Collection method: clinical testing. Allele origin: unknown.
Comment: NM_000520.4(HEXA):c.1528C>T(R510*) is a nonsense variant classified as pathogenic in the context of hexosaminidase A deficiency. R510* has been observed in cases with relevant disease (PMID: 33547378, 27896118, 21567908). Functional assessments of this variant are not available in the literature. R510* has not been observed in population frequency databases. In summary, NM_000520.4(HEXA):c.1528C>T(R510*) is a nonsense variant in a gene where loss of function is a known mechanism of disease, is predicted to disrupt protein function, and has been observed more frequently in cases with the relevant disease than in healthy populations. Please note: this variant was assessed in the context of healthy population screening.

Baylor Genetics
Classification: Pathogenic for Tay-Sachs disease. Last evaluated: 2021-09-28. Review status: criteria provided, single submitter. Criteria: ACMG Guidelines, 2015. Collection method: clinical testing. Allele origin: unknown. Affected: yes. Study: CSER-TexasKidsCanSeq.
Comment: This variant was determined to be pathogenic according to ACMG Guidelines, 2015 [PMID:25741868].

Baylor Genetics
Classification: Pathogenic for Tay-Sachs disease. Last evaluated: 2021-01-06. Review status: criteria provided, single submitter. Criteria: ACMG Guidelines, 2015. Collection method: clinical testing. Allele origin: unknown.

Women's Health and Genetics/Laboratory Corporation of America, LabCorp
Classification: Pathogenic for Tay-Sachs disease. Last evaluated: 2018-04-02. Review status: criteria provided, single submitter. Criteria: LabCorp Variant Classification Summary - May 2015. Collection method: clinical testing. Allele origin: germline.
Comment: Variant summary: HEXA c.1528C>T (p.Arg510X) results in a premature termination codon, predicted to cause a truncation of the encoded protein or absence of the protein due to nonsense mediated decay, which are commonly known mechanisms for disease. The variant was absent in 120496 control chromosomes (ExAC and publication controls). The variant, c.1528C>T, has been reported in the literature in multiple individuals affected with Tay-Sachs Disease. These data indicate that the variant is very likely to be associated with disease. At least one publication reports experimental evidence evaluating an impact on protein function. The most pronounced variant effect results in 10%-<30% of normal activity. A ClinVar submission from a clinical diagnostic laboratory (evaluation after 2014) cites the variant as "pathogenic." Based on the evidence outlined above, the variant was classified as pathogenic.

Imagene.me medical diagnostic laboratory, IMAGENE.ME SA
Classification: Pathogenic for Tay-Sachs disease. Review status: criteria provided, single submitter. Criteria: IMAGENE.ME Variant Classification SOP 2022. Collection method: clinical testing. Allele origin: germline. Affected: yes.
Comment: Classified according to the IMAGENE.ME variant classification SOP based on the ACMG guidelines as Pathogenic (P): PS4 + PVS1_Moderate + PM2 + PP4 + PP5

Foundation for Research in Genetics and Endocrinology, FRIGE's Institute of Human Genetics
Classification: Pathogenic for Tay-Sachs disease. Last evaluated: 2010-08-26. Review status: no assertion criteria provided. Collection method: research. Allele origin: germline. Inheritance: Autosomal recessive inheritance. Affected: yes. Observed: 1 homozygote. Not counted in ClinVar's aggregate classification.

Literature cited by the submitters: PubMed 21567908 (cited by 5 submitters); PubMed 22789865 (cited by Labcorp Genetics (formerly Invitae), Labcorp and Women's Health and Genetics/Laboratory Corporation of America, LabCorp); PubMed 27896118 (cited by 4 submitters); PubMed 33547378 (cited by Myriad Genetics, Inc.); PubMed 24518553 (cited by Women's Health and Genetics/Laboratory Corporation of America, LabCorp).